The following is an entry in ClinVar:

NM_004329.3(BMPR1A):c.531-8T>C

Gene: BMPR1A (bone morphogenetic protein receptor type 1A; plus strand). Cytogenetic location: 10q23.2.
Variant type: single nucleotide variant.
Coding change: c.531-8T>C on transcript NM_004329.3 (MANE Select); 8 bases into the intron before coding-DNA position 531, T replaced by C.
Molecular consequence: intron variant.
Genome position (GRCh38, 1-based): chr10:86,912,232, T>C. VCF-style: chr10-86912232-T-C. GRCh37 (hg19) VCF-style: chr10-88671989-T-C.
Other names: c.531-8T>C (NM_001406562.1, NM_001406568.1, NM_001406567.1 and 20 more transcripts); c.447-8T>C (NM_001406584.1, NM_001406588.1, NM_001406587.1 and 2 more transcripts); c.579-8T>C (NM_001406560.1); c.606-8T>C (NM_001406559.1); c.334-4902T>C (NM_001406589.1).
Identifiers: ClinVar variation 3378502 (VCV003378502.1).
Genomic context (GRCh38, chr10:86,912,232, plus strand): 5'-TCAAGGTTTTTCTTAGGGTTTTATAGTTTTTCATTTTTAATGTAGATTGTTTTCTGCTTT[T>C]TTAAAAGACATTATTGCAAGAGCATCTCAAGCAGACGTCGTTACAATCGTGATTTGGAAC-3'

ClinVar aggregate classification (germline): Likely benign (1 of 4 stars; one submission).

Conditions:
Juvenile polyposis syndrome (JPS). Identifiers: Orphanet 2929, MedGen C0345893, MONDO:0017380, OMIM 174900.

Submission:

Myriad Genetics, Inc.
Classification: Likely benign for Juvenile polyposis syndrome. Last evaluated: 2024-08-01. Review status: criteria provided, single submitter. Criteria: Myriad Autosomal Dominant, Autosomal Recessive and X-Linked Classification Criteria (2023). Collection method: clinical testing. Allele origin: unknown.
Comment: This variant is considered likely benign. This variant is intronic and is not expected to impact mRNA splicing.